The following is an entry in ClinVar:

NM_005732.4(RAD50):c.2867G>T (p.Gly956Val)

Gene: RAD50 (RAD50 double strand break repair protein; plus strand). Cytogenetic location: 5q31.1.
Variant type: single nucleotide variant.
Coding change: c.2867G>T on transcript NM_005732.4 (MANE Select); coding-DNA position 2867, G replaced by T.
Protein change: p.Gly956Val; replaces glycine 956 with valine.
Molecular consequence: missense variant.
Genome position (GRCh38, 1-based): chr5:132,609,154, G>T. VCF-style: chr5-132609154-G-T. GRCh37 (hg19) VCF-style: chr5-131944846-G-T.
Other names: short protein forms G956V.
Identifiers: ClinVar variation 968303 (VCV000968303.11), dbSNP rs547370566, ClinGen allele CA3405470.

ClinVar aggregate classification (germline): Uncertain significance. Review status: criteria provided, multiple submitters, no conflicts (2 of 4 stars). 2 submissions from 2 submitters: Uncertain significance (2). Last evaluated 2025-11-26.

Conditions:
Hereditary cancer-predisposing syndrome. Also called: Hereditary neoplastic syndrome; Neoplastic Syndromes, Hereditary; Hereditary Cancer Syndrome; Tumor predisposition. Identifiers: Orphanet 140162, MedGen C0027672, MeSH D009386, MONDO:0015356.

Allele frequency attached by ClinVar (database versions not stated): gnomAD exomes below 0.00001; ExAC 0.00001; gnomAD 0.00001; 1000 Genomes Project 0.00020; 1000 Genomes Project 30x 0.00031.
gnomAD v4.1: 1 of 1,611,792 alleles (0.000062%); highest among the groups gnomAD compares: African/African-American, 0.0013%; no homozygotes.

Submissions (2):

Ambry Genetics
Classification: Uncertain significance for Hereditary cancer-predisposing syndrome. Last evaluated: 2025-11-26. Review status: criteria provided, single submitter. Criteria: Ambry Variant Classification Scheme 2023. Collection method: clinical testing. Allele origin: germline.
Comment: The p.G956V variant (also known as c.2867G>T), located in coding exon 18 of the RAD50 gene, results from a G to T substitution at nucleotide position 2867. The glycine at codon 956 is replaced by valine, an amino acid with dissimilar properties. This amino acid position is conserved. In addition, this alteration is predicted to be tolerated by in silico analysis. Based on the available evidence, the clinical significance of this variant remains unclear.

Labcorp Genetics (formerly Invitae), Labcorp
Classification: Uncertain significance for Hereditary cancer-predisposing syndrome. Last evaluated: 2022-04-19. Review status: criteria provided, single submitter. Criteria: Invitae Variant Classification Sherloc (09022015). Collection method: clinical testing. Allele origin: germline.
Comment: ClinVar contains an entry for this variant (Variation ID: 968303). In summary, the available evidence is currently insufficient to determine the role of this variant in disease. Therefore, it has been classified as a Variant of Uncertain Significance. Algorithms developed to predict the effect of missense changes on protein structure and function (SIFT, PolyPhen-2, Align-GVGD) all suggest that this variant is likely to be tolerated. This variant has not been reported in the literature in individuals affected with RAD50-related conditions. This variant is present in population databases (rs547370566, gnomAD 0.007%). This sequence change replaces glycine, which is neutral and non-polar, with valine, which is neutral and non-polar, at codon 956 of the RAD50 protein (p.Gly956Val).